The following is an entry in ClinVar:

NM_024312.5(GNPTAB):c.272A>G (p.Lys91Arg)

Gene: GNPTAB (N-acetylglucosamine-1-phosphate transferase subunits alpha and beta; minus strand). Cytogenetic location: 12q23.2.
Variant type: single nucleotide variant.
Coding change: c.272A>G on transcript NM_024312.5 (MANE Select); coding-DNA position 272, A replaced by G.
Protein change: p.Lys91Arg; replaces lysine 91 with arginine.
Molecular consequence: missense variant.
Genome position (GRCh38, 1-based): chr12:101,789,989, T>C on the plus strand (A>G on the coding strand, the complement: GNPTAB is on the minus strand). VCF-style: chr12-101789989-T-C. GRCh37 (hg19) VCF-style: chr12-102183767-T-C.
Other names: short protein forms K91R.
Identifiers: ClinVar variation 657090 (VCV000657090.6), dbSNP rs752519391, ClinGen allele CA6746946.

ClinVar aggregate classification (germline): Uncertain significance. Review status: criteria provided, multiple submitters, no conflicts (2 of 4 stars). 3 submissions from 3 submitters: Uncertain significance (2). 1 of the submissions does not count toward it. Last evaluated 2025-05-14.

Conditions:
Inborn genetic diseases. Identifiers: MedGen C0950123, MeSH D030342.
Mucolipidosis type II. Also called: Mucolipidosis II Alpha/Beta; ML II ALPHA/BETA; Mucolipidosis 2; ML 2; Inclusion cell disease; Leroy Disease. Identifiers: Orphanet 576, MedGen C2673377, MONDO:0009650, OMIM 252500.
Pseudo-Hurler polydystrophy. Also called: MUCOLIPIDOSIS IIIA; ML III; ML III ALPHA/BETA; Type III Mucolipidosis; ML IIIA; Mucolipidosis III Alpha/Beta. Identifiers: Orphanet 423461, Orphanet 577, MedGen C0033788, MONDO:0018931, OMIM 252600.

Allele frequency attached by ClinVar (database versions not stated): gnomAD 0.00001; gnomAD exomes below 0.00001 and 0.00002; TOPMed 0.00001; ExAC 0.00001.

Submissions (3):

Ambry Genetics
Classification: Uncertain significance for Inborn genetic diseases. Last evaluated: 2025-05-14. Review status: criteria provided, single submitter. Criteria: Ambry Variant Classification Scheme 2023. Collection method: clinical testing. Allele origin: germline.

Labcorp Genetics (formerly Invitae), Labcorp
Classification: Uncertain significance for Pseudo-Hurler polydystrophy; Mucolipidosis type II. Last evaluated: 2025-03-17. Review status: criteria provided, single submitter. Criteria: Invitae Variant Classification Sherloc (09022015). Collection method: clinical testing. Allele origin: germline.
Comment: This sequence change replaces lysine, which is basic and polar, with arginine, which is basic and polar, at codon 91 of the GNPTAB protein (p.Lys91Arg). This variant is present in population databases (rs752519391, gnomAD 0.003%). This variant has not been reported in the literature in individuals affected with GNPTAB-related conditions. ClinVar contains an entry for this variant (Variation ID: 657090). Invitae Evidence Modeling of protein sequence and biophysical properties (such as structural, functional, and spatial information, amino acid conservation, physicochemical variation, residue mobility, and thermodynamic stability) indicates that this missense variant is not expected to disrupt GNPTAB protein function with a negative predictive value of 80%. In summary, the available evidence is currently insufficient to determine the role of this variant in disease. Therefore, it has been classified as a Variant of Uncertain Significance.

Natera, Inc.
Classification: Uncertain significance for Mucolipidosis type II. Last evaluated: 2020-09-16. Review status: no assertion criteria provided. Collection method: clinical testing. Allele origin: germline. Not counted in ClinVar's aggregate classification.